The following is an entry in ClinVar:

NM_001378414.1(HDAC4):c.1978+7C>T

Gene: HDAC4 (histone deacetylase 4; minus strand). Cytogenetic location: 2q37.3.
Variant type: single nucleotide variant.
Coding change: c.1978+7C>T on transcript NM_001378414.1 (MANE Select); 7 bases into the intron after coding-DNA position 1978, C replaced by T.
Molecular consequence: intron variant.
Genome position (GRCh38, 1-based): chr2:239,111,519, G>A on the plus strand (C>T on the coding strand, the complement: HDAC4 is on the minus strand). VCF-style: chr2-239111519-G-A. GRCh37 (hg19) VCF-style: chr2-240033215-G-A.
Other names: c.1963+7C>T (NM_001378417.1, NM_001378416.1, NM_006037.4); c.1978+7C>T (NM_001378415.1).
Identifiers: ClinVar variation 1631661 (VCV001631661.11), dbSNP rs747585824, ClinGen allele CA2199628.
Genomic context (GRCh38, chr2:239,111,519, plus strand): 5'-AGCCCCCCGCGCTGTGCCCACTGTGGCCCGCGTTGCACCCTCAGGCTGCACAAAGGCCAC[G>A]TGTTACCTGTCGTGAACCTCGGCTTGGTGGGGGGCTCCTGCACAGACACGGGGAAGGTGG-3'

ClinVar aggregate classification (germline): Likely benign. Review status: criteria provided, multiple submitters, no conflicts (2 of 4 stars). 3 submissions from 3 submitters: Likely benign (3). Last evaluated 2026-04-01.

Allele frequency attached by ClinVar (database versions not stated): ExAC 0.00014; gnomAD exomes 0.00016; 1000 Genomes Project 30x 0.00031.
gnomAD v4.1: 78 of 1,611,082 alleles (0.0048%); highest among the groups gnomAD compares: Admixed American, 0.065%; 1 homozygote.

Submissions (3):

CeGaT Center for Human Genetics Tuebingen
Classification: Likely benign. Last evaluated: 2026-04-01. Review status: criteria provided, single submitter. Criteria: CeGaT Center For Human Genetics Tuebingen Variant Classification Criteria Version 2. Collection method: clinical testing. Allele origin: germline. Affected: yes. Observed: 1 variant allele.
Comment: HDAC4: BP4, BS2

Labcorp Genetics (formerly Invitae), Labcorp
Classification: Likely benign. Last evaluated: 2022-07-26. Review status: criteria provided, single submitter. Criteria: Invitae Variant Classification Sherloc (09022015). Collection method: clinical testing. Allele origin: germline.

Blueprint Genetics
Classification: Likely benign. Last evaluated: 2021-10-07. Review status: criteria provided, single submitter. Criteria: ACMG Guidelines, 2015. Collection method: clinical testing. Allele origin: germline.